The following is an entry in ClinVar:

ClinVar aggregate classification (germline): Uncertain significance. Review status: criteria provided, multiple submitters, no conflicts (2 of 4 stars). 2 submissions from 2 submitters: Uncertain significance (2). Last evaluated 2024-05-23.

Allele frequency attached by ClinVar (database versions not stated): gnomAD exomes below 0.00001 and 0.00001.
gnomAD v4.1: 5 of 1,211,175 alleles (0.00041%); highest among the groups gnomAD compares: Admixed American, 0.0022%; no homozygotes.

Submissions (2):

GeneDx
Classification: Uncertain significance. Last evaluated: 2024-05-23. Review status: criteria provided, single submitter. Criteria: GeneDx Variant Classification Process June 2021. Collection method: clinical testing. Allele origin: germline. Affected: yes.
Comment: In silico analysis supports that this missense variant has a deleterious effect on protein structure/function; Has not been previously published as pathogenic or benign to our knowledge

Genetic Services Laboratory, University of Chicago
Classification: Uncertain significance. Last evaluated: 2015-06-23. Review status: criteria provided, single submitter. Criteria: ACMG Guidelines, 2015. Collection method: clinical testing. Allele origin: germline.

NM_001110556.2(FLNA):c.4222G>A (p.Gly1408Ser)

Gene: FLNA (filamin A; minus strand). Cytogenetic location: Xq28.
Variant type: single nucleotide variant.
Coding change: c.4222G>A on transcript NM_001110556.2 (MANE Select); coding-DNA position 4222, G replaced by A.
Protein change: p.Gly1408Ser; replaces glycine 1408 with serine.
Molecular consequence: missense variant.
Genome position (GRCh38, 1-based): chrX:154,359,327, C>T on the plus strand (G>A on the coding strand, the complement: FLNA is on the minus strand). VCF-style: chrX-154359327-C-T. GRCh37 (hg19) VCF-style: chrX-153587695-C-T.
Other names: c.4222G>A, p.Gly1408Ser (NM_001456.4); short protein forms G1408S.
Identifiers: ClinVar variation 211016 (VCV000211016.10), dbSNP rs797045578, ClinGen allele CA205653.
Genomic context (GRCh38, chrX:154,359,327, plus strand): 5'-AGGTGACGTTGAGGCTGTAGGTGCCAGCCTCATAAGGGATGTACTCGACCGAGCAGCTGC[C>T]GTCCTTGTTATCCATGCAGGACATCTTGGCCTCGGAGGGGCCCTCTACAGCCAGGCCCAG-3'
Protein context (NP_001104026.1, residues 1398-1418): AKMSCMDNKD[Gly1408Ser]SCSVEYIPYE